The following is an entry in ClinVar:

ClinVar aggregate classification (germline): Uncertain significance (1 of 4 stars; one submission).

Allele frequency attached by ClinVar (database versions not stated): gnomAD exomes below 0.00001.
gnomAD v4.1: 4 of 1,600,116 alleles (0.00025%); highest among the groups gnomAD compares: Non-Finnish European, 0.00034%; no homozygotes.

Submission:

Labcorp Genetics (formerly Invitae), Labcorp
Classification: Uncertain significance. Last evaluated: 2022-11-08. Review status: criteria provided, single submitter. Criteria: Invitae Variant Classification Sherloc (09022015). Collection method: clinical testing. Allele origin: germline.
Comment: In summary, the available evidence is currently insufficient to determine the role of this variant in disease. Therefore, it has been classified as a Variant of Uncertain Significance. Algorithms developed to predict the effect of missense changes on protein structure and function (SIFT, PolyPhen-2, Align-GVGD) all suggest that this variant is likely to be disruptive. This variant has not been reported in the literature in individuals affected with CWC27-related conditions. This variant is not present in population databases (gnomAD no frequency). This sequence change replaces glycine, which is neutral and non-polar, with arginine, which is basic and polar, at codon 97 of the CWC27 protein (p.Gly97Arg).

NM_005869.4(CWC27):c.289G>A (p.Gly97Arg)

Gene: CWC27 (CWC27 spliceosome associated cyclophilin; plus strand). Cytogenetic location: 5q12.3.
Variant type: single nucleotide variant.
Coding change: c.289G>A on transcript NM_005869.4 (MANE Select); coding-DNA position 289, G replaced by A.
Protein change: p.Gly97Arg; replaces glycine 97 with arginine.
Molecular consequence: missense variant.
Genome position (GRCh38, 1-based): chr5:64,783,872, G>A. VCF-style: chr5-64783872-G-A. GRCh37 (hg19) VCF-style: chr5-64079699-G-A.
Other names: c.289G>A, p.Gly97Arg (NM_001297644.1, NM_001297645.2, NM_001318000.2 and 1 more transcripts); short protein forms G97R.
Identifiers: ClinVar variation 2106168 (VCV002106168.4), dbSNP rs2531260921, ClinGen allele CA359843669.